The following is an entry in ClinVar:

NM_001389.5(DSCAM):c.2100C>T (p.Asp700=)

Gene: DSCAM (DS cell adhesion molecule; minus strand). Cytogenetic location: 21q22.2.
Variant type: single nucleotide variant.
Coding change: c.2100C>T on transcript NM_001389.5 (MANE Select); coding-DNA position 2100, C replaced by T.
Protein change: p.Asp700=; no amino-acid change (aspartic acid 700 retained).
Molecular consequence: synonymous variant. On other transcripts: non-coding transcript variant (1).
Genome position (GRCh38, 1-based): chr21:40,296,137, G>A on the plus strand (C>T on the coding strand, the complement: DSCAM is on the minus strand). VCF-style: chr21-40296137-G-A. GRCh37 (hg19) VCF-style: chr21-41668064-G-A.
Other names: c.2100C>T, p.Asp700= (NM_001271534.3).
Identifiers: ClinVar variation 4821671 (VCV004821671.4).

ClinVar aggregate classification (germline): Likely benign (1 of 4 stars; one submission).

gnomAD v4.1: 480 of 1,614,092 alleles (0.03%); highest among the groups gnomAD compares: African/African-American, 0.41%; 2 homozygotes.

Submission:

CeGaT Center for Human Genetics Tuebingen
Classification: Likely benign. Last evaluated: 2026-02-01. Review status: criteria provided, single submitter. Criteria: CeGaT Center For Human Genetics Tuebingen Variant Classification Criteria Version 2. Collection method: clinical testing. Allele origin: germline. Affected: yes. Observed: 1 variant allele.
Comment: DSCAM: BP4, BP7